The following is an entry in ClinVar:

NM_001613.4(ACTA2):c.990+1G>T

Genes: ACTA2 (actin alpha 2, smooth muscle; minus strand), ACTA2-AS1 (ACTA2 antisense RNA 1; plus strand). Cytogenetic location: 10q23.31.
Variant type: single nucleotide variant.
Coding change: c.990+1G>T on transcript NM_001613.4 (MANE Select); the canonical splice donor site of the intron after coding-DNA position 990, G replaced by T.
Molecular consequence: splice donor variant.
Genome position (GRCh38, 1-based): chr10:88,938,060, C>A on the plus strand (G>T on the coding strand, the complement: ACTA2 is on the minus strand). VCF-style: chr10-88938060-C-A. GRCh37 (hg19) VCF-style: chr10-90697817-C-A.
Other names: c.861+1G>T (NM_001406467.1, NM_001406468.1, NM_001406469.1); c.990+1G>T (NM_001320855.2, NM_001406462.1, NM_001141945.3 and 2 more transcripts); c.798+1G>T (NM_001406471.1); c.879+1G>T (NM_001406466.1).
Identifiers: ClinVar variation 3894447 (VCV003894447.1).

ClinVar aggregate classification (germline): Uncertain significance (1 of 4 stars; one submission).

Conditions:
Familial thoracic aortic aneurysm and aortic dissection (TAAD). Also called: Thoracic aortic aneurysms and dissections. Identifiers: Orphanet 91387, MedGen C4707243, MONDO:0019625.

Submission:

Color Diagnostics, LLC DBA Color Health
Classification: Uncertain significance for Familial thoracic aortic aneurysm and aortic dissection. Last evaluated: 2024-03-04. Review status: criteria provided, single submitter. Criteria: ACMG Guidelines, 2015. Collection method: clinical testing. Allele origin: germline.
Comment: This variant causes a G>T nucleotide substitution at the canonical +1 position of intron 8 of the ACTA2 gene. Splice site prediction tools predict that this variant may have a significant impact on RNA splicing. Although this prediction has not been confirmed in published RNA studies, this variant is expected to result in an absent or disrupted protein product. This variant has not been reported in individuals affected with ACTA2-related disorders in the literature. This variant has not been identified in the general population by the Genome Aggregation Database (gnomAD). Clinical relevance of loss-of-function ACTA2 truncation and splice variants in autosomal dominant cardiovascular disorders is not clearly established. The available evidence is insufficient to determine the role of this variant in disease conclusively. Therefore, this variant is classified as a Variant of Uncertain Significance.